The following is an entry in ClinVar:

ClinVar aggregate classification (germline): Uncertain significance (1 of 4 stars; one submission).

Conditions:
GTP cyclohydrolase I deficiency. Identifiers: MedGen C0268467, MONDO:0100184.
Dystonia 5 (DRD). Also called: DYSTONIA, PROGRESSIVE, WITH DIURNAL VARIATION; DYSTONIA-PARKINSONISM WITH DIURNAL FLUCTUATION; GTP Cyclohydrolase 1-Deficient Dopa-Responsive Dystonia; Dystonia, DOPA-responsive, with or without hyperphenylalaninemia; DYT-GCH1. Identifiers: Orphanet 98808, MedGen C1851920, MONDO:0007495, OMIM 128230.

Submission:

Labcorp Genetics (formerly Invitae), Labcorp
Classification: Uncertain significance for GTP cyclohydrolase I deficiency; Dystonia 5. Last evaluated: 2026-01-26. Review status: criteria provided, single submitter. Criteria: Invitae Variant Classification Sherloc (09022015). Collection method: clinical testing. Allele origin: germline.
Comment: This sequence change replaces alanine, which is neutral and non-polar, with valine, which is neutral and non-polar, at codon 44 of the GCH1 protein (p.Ala44Val). This variant is not present in population databases (gnomAD no frequency). This variant has not been reported in the literature in individuals affected with GCH1-related conditions. Invitae Evidence Modeling of protein sequence and biophysical properties (such as structural, functional, and spatial information, amino acid conservation, physicochemical variation, residue mobility, and thermodynamic stability) indicates that this missense variant is not expected to disrupt GCH1 protein function with a negative predictive value of 95%. In summary, the available evidence is currently insufficient to determine the role of this variant in disease. Therefore, it has been classified as a Variant of Uncertain Significance.

NM_000161.3(GCH1):c.131C>T (p.Ala44Val)

Gene: GCH1 (GTP cyclohydrolase 1; minus strand). Cytogenetic location: 14q22.2.
Variant type: single nucleotide variant.
Coding change: c.131C>T on transcript NM_000161.3 (MANE Select); coding-DNA position 131, C replaced by T.
Protein change: p.Ala44Val; replaces alanine 44 with valine.
Molecular consequence: missense variant.
Genome position (GRCh38, 1-based): chr14:54,902,533, G>A on the plus strand (C>T on the coding strand, the complement: GCH1 is on the minus strand). VCF-style: chr14-54902533-G-A. GRCh37 (hg19) VCF-style: chr14-55369251-G-A.
Other names: c.131C>T, p.Ala44Val (NM_001024024.2, NM_001024070.2, NM_001024071.2 and 1 more transcripts); short protein forms A44V.
Identifiers: ClinVar variation 4789548 (VCV004789548.1).
Genomic context (GRCh38, chr14:54,902,533, plus strand): 5'-TTATCCTCCTCGCTGCGGGGCCGCTCGCCCTTCCAGCCGTCCGCGGGCTGCGCGCTCTTG[G>A]CCTCGGGCCGCGGGGGCTTCTCCGCCGGCCTGCTGGGCCCGGGCCGCGGCGGATCCCGCT-3'
Protein context (NP_000152.1, residues 34-54): RPAEKPPRPE[Ala44Val]KSAQPADGWK